The following is an entry in ClinVar:

NM_001875.5(CPS1):c.-29T>G

Gene: CPS1 (carbamoyl-phosphate synthase 1; plus strand). Cytogenetic location: 2q34.
Variant type: single nucleotide variant.
Coding change: c.-29T>G on transcript NM_001875.5 (MANE Select); 29 bases upstream of the start codon, T replaced by G.
Molecular consequence: 5 prime UTR variant. On other transcripts: intron variant (3).
Genome position (GRCh38, 1-based): chr2:210,556,705, T>G. VCF-style: chr2-210556705-T-G. GRCh37 (hg19) VCF-style: chr2-211421429-T-G.
Other names: NC_000002.11:g.211421429T>G; c.-29T>G (LRG_336t1); c.-15-14T>G (NM_001369257.1, NM_001122633.3); c.19-14T>G (NM_001369256.1); c.4-14T>G (NM_001122633.2).
Identifiers: ClinVar variation 334007 (VCV000334007.10), dbSNP rs147937942, ClinGen allele CA2085919.
Genomic context (GRCh38, chr2:210,556,705, plus strand): 5'-AGATTTCTTTTACATTAACTAAAAAGTCTTATCACACAATCTCATAAAATTTATGTAATT[T>G]CATTTAATTTTAGCCACAAATCATCAAAATGACGAGGATTTTGACAGCTTTCAAAGTGGT-3'

ClinVar aggregate classification (germline): Benign/Likely benign. Review status: criteria provided, multiple submitters, no conflicts (2 of 4 stars). 5 submissions from 5 submitters: Benign (3); Likely benign (1). 1 of the submissions does not count toward it. Last evaluated 2025-05-27.

Conditions:
Congenital hyperammonemia, type I. Also called: CPS I DEFICIENCY; Carbamoyl phosphate synthetase 1 deficiency; Hyperammonemia due to carbamoyl phosphate synthetase 1 deficiency; CPS 1 deficiency; Carbamyl phosphate synthetase (CPS) deficiency; Carbamoyl-phosphate synthase I deficiency. Identifiers: Orphanet 147, MedGen C4082171, MONDO:0009376, OMIM 237300.
CPS1-related disorder. Also called: CPS1-related condition.

Allele frequency attached by ClinVar (database versions not stated): TOPMed 0.00691; ESP Exome Variant Server 0.00715; gnomAD 0.00830 and 0.00891; 1000 Genomes Project 0.00839; 1000 Genomes Project 30x 0.00937; gnomAD exomes 0.01038 and 0.01159; ExAC 0.01178.
gnomAD v4.1: 16,429 of 1,601,440 alleles (1%); highest among the groups gnomAD compares: South Asian, 2.5%; 136 homozygotes.

Submissions (13):

Mayo Clinic Laboratories, Mayo Clinic
Classification: Likely benign. Last evaluated: 2025-05-27. Review status: criteria provided, single submitter. Criteria: ACMG Guidelines, 2015. Collection method: clinical testing. Allele origin: germline. Observed: 1 variant allele.
Comment: BA1, BS2

Illumina Laboratory Services, Illumina
Classification: Benign for Congenital hyperammonemia, type I. Last evaluated: 2018-01-13. Review status: criteria provided, single submitter. Criteria: ICSL Variant Classification Criteria 13 December 2019. Collection method: clinical testing. Allele origin: germline.
Comment: This variant was observed in the ICSL laboratory as part of a predisposition screen in an ostensibly healthy population. It had not been previously curated by ICSL or reported in the Human Gene Mutation Database (HGMD: prior to June 1st, 2018), and was therefore a candidate for classification through an automated scoring system. Utilizing variant allele frequency, disease prevalence and penetrance estimates, and inheritance mode, an automated score was calculated to assess if this variant is too frequent to cause the disease. Based on the score and internal cut-off values, a variant classified as benign is not then subjected to further curation. The score for this variant resulted in a classification of benign for this disease.

GeneDx
Classification: Benign. Last evaluated: 2016-04-04. Review status: criteria provided, single submitter. Criteria: GeneDx Variant Classification (06012015). Collection method: clinical testing. Allele origin: germline. Affected: yes.
Comment: This variant is considered likely benign or benign based on one or more of the following criteria: it is a conservative change, it occurs at a poorly conserved position in the protein, it is predicted to be benign by multiple in silico algorithms, and/or has population frequency not consistent with disease.

Breakthrough Genomics
Classification: Benign. Review status: criteria provided, single submitter. Criteria: ACMG Guidelines, 2015. Collection method: not provided. Allele origin: germline. Inheritance: Autosomal recessive inheritance. Affected: yes.

PreventionGenetics, part of Exact Sciences
Classification: Benign for CPS1-related condition. Last evaluated: 2022-12-21. Review status: no assertion criteria provided. Collection method: clinical testing. Allele origin: germline. Not counted in ClinVar's aggregate classification.
Comment: This variant is classified as benign based on ACMG/AMP sequence variant interpretation guidelines (Richards et al. 2015 PMID: 25741868, with internal and published modifications).

Dr. Peter K. Rogan Lab, Western University
No classification provided (evidence only). Condition: Acute myeloid leukemia. Review status: no classification provided. Collection method: in vitro. Allele origin: not applicable. Functional consequence: retained intron. Not counted in ClinVar's aggregate classification.

Dr. Peter K. Rogan Lab, Western University
No classification provided (evidence only). Condition: Thyroid cancer, nonmedullary, 1. Review status: no classification provided. Collection method: in vitro. Allele origin: not applicable. Functional consequence: retained intron. Not counted in ClinVar's aggregate classification.

Dr. Peter K. Rogan Lab, Western University
No classification provided (evidence only). Condition: Thyroid cancer, nonmedullary, 1. Review status: no classification provided. Collection method: in vitro. Allele origin: not applicable. Functional consequence: retained intron. Not counted in ClinVar's aggregate classification.

Dr. Peter K. Rogan Lab, Western University
No classification provided (evidence only). Condition: Thyroid cancer, nonmedullary, 1. Review status: no classification provided. Collection method: in vitro. Allele origin: not applicable. Functional consequence: retained intron. Not counted in ClinVar's aggregate classification.

Dr. Peter K. Rogan Lab, Western University
No classification provided (evidence only). Condition: Thyroid cancer, nonmedullary, 1. Review status: no classification provided. Collection method: in vitro. Allele origin: not applicable. Functional consequence: retained intron. Not counted in ClinVar's aggregate classification.

Dr. Peter K. Rogan Lab, Western University
No classification provided (evidence only). Condition: Cervical cancer. Review status: no classification provided. Collection method: in vitro. Allele origin: not applicable. Functional consequence: retained intron. Not counted in ClinVar's aggregate classification.

Dr. Peter K. Rogan Lab, Western University
No classification provided (evidence only). Condition: Gastric cancer. Review status: no classification provided. Collection method: in vitro. Allele origin: not applicable. Functional consequence: retained intron. Not counted in ClinVar's aggregate classification.

Dr. Peter K. Rogan Lab, Western University
No classification provided (evidence only). Condition: Nonpapillary renal cell carcinoma. Review status: no classification provided. Collection method: in vitro. Allele origin: not applicable. Functional consequence: retained intron. Not counted in ClinVar's aggregate classification.